The following is an entry in ClinVar:

ClinVar aggregate classification (germline): Pathogenic (1 of 4 stars; one submission).

Conditions:
Progressive sclerosing poliodystrophy (MTDPS4A). Also called: ALPERS PROGRESSIVE INFANTILE POLIODYSTROPHY; NEURONAL DEGENERATION OF CHILDHOOD WITH LIVER DISEASE, PROGRESSIVE; Alpers Syndrome; ALPERS DIFFUSE DEGENERATION OF CEREBRAL GRAY MATTER WITH HEPATIC CIRRHOSIS; Alpers-Huttenlocher Syndrome; Mitochondrial DNA Depletion Syndrome 4A. Identifiers: Orphanet 726, MedGen C0205710, MONDO:0008758, OMIM 203700.

Submission:

Labcorp Genetics (formerly Invitae), Labcorp
Classification: Pathogenic for Progressive sclerosing poliodystrophy. Last evaluated: 2022-12-20. Review status: criteria provided, single submitter. Criteria: Invitae Variant Classification Sherloc (09022015). Collection method: clinical testing. Allele origin: germline.
Comment: For these reasons, this variant has been classified as Pathogenic. This variant has not been reported in the literature in individuals affected with POLG-related conditions. This variant is not present in population databases (gnomAD no frequency). This sequence change creates a premature translational stop signal (p.Gln49*) in the POLG gene. It is expected to result in an absent or disrupted protein product. Loss-of-function variants in POLG are known to be pathogenic (PMID: 18546365).

Literature cited by the submitters: PubMed 18546365.

NM_002693.3(POLG):c.145C>T (p.Gln49Ter)

Genes: POLGARF (POLG alternative reading frame; minus strand), POLG (DNA polymerase gamma, catalytic subunit; minus strand). Cytogenetic location: 15q26.1.
Variant type: single nucleotide variant.
Coding change: c.145C>T on transcript NM_002693.3 (MANE Select); coding-DNA position 145, C replaced by T.
Protein change: p.Gln49Ter; replaces glutamine 49 with a stop codon.
Molecular consequence: nonsense.
Genome position (GRCh38, 1-based): chr15:89,333,610, G>A on the plus strand (C>T on the coding strand, the complement: POLG is on the minus strand). VCF-style: chr15-89333610-G-A. GRCh37 (hg19) VCF-style: chr15-89876841-G-A.
Other names: c.145C>T, p.Gln49Ter (NM_001126131.2); short protein forms Q49*.
Identifiers: ClinVar variation 2822474 (VCV002822474.3), dbSNP rs200132079, ClinGen allele CA393774294.
Genomic context (GRCh38, chr15:89,333,610, plus strand): 5'-GCTGCCCGCCCTCCGAGGATAGCACTTGCGGCTGCTGAGGCTGCTGTTGCTGCTGCTGCT[G>A]CTGCTGCTGCTGCTGCTGCCGCCGCCGCTGCCCGTCGCTGGGGTCGGACGCGGGGACGGA-3'